The following is an entry in ClinVar:

ClinVar aggregate classification (germline): Uncertain significance (1 of 4 stars; one submission).

Submission:

Labcorp Genetics (formerly Invitae), Labcorp
Classification: Uncertain significance. Last evaluated: 2025-09-28. Review status: criteria provided, single submitter. Criteria: Invitae Variant Classification Sherloc (09022015). Collection method: clinical testing. Allele origin: germline.
Comment: This sequence change replaces glycine, which is neutral and non-polar, with arginine, which is basic and polar, at codon 21 of the CFB protein (p.Gly21Arg). This variant is not present in population databases (gnomAD no frequency). This variant has not been reported in the literature in individuals affected with CFB-related conditions. An algorithm developed to predict the effect of missense changes on protein structure and function (PolyPhen-2) suggests that this variant is likely to be tolerated. In summary, the available evidence is currently insufficient to determine the role of this variant in disease. Therefore, it has been classified as a Variant of Uncertain Significance.

NM_001710.6(CFB):c.61G>A (p.Gly21Arg)

Gene: CFB (complement factor B; plus strand). Cytogenetic location: 6p21.33.
Variant type: single nucleotide variant.
Coding change: c.61G>A on transcript NM_001710.6 (MANE Select); coding-DNA position 61, G replaced by A.
Protein change: p.Gly21Arg; replaces glycine 21 with arginine.
Molecular consequence: missense variant.
Genome position (GRCh38, 1-based): chr6:31,946,282, G>A. VCF-style: chr6-31946282-G-A. GRCh37 (hg19) VCF-style: chr6-31914059-G-A.
Other names: short protein forms G21R.
Identifiers: ClinVar variation 4725818 (VCV004725818.1).